The following is an entry in ClinVar:

NM_000400.4(ERCC2):c.296G>A (p.Gly99Asp)

Gene: ERCC2 (ERCC excision repair 2, TFIIH core complex helicase subunit; minus strand). Cytogenetic location: 19q13.32.
Variant type: single nucleotide variant.
Coding change: c.296G>A on transcript NM_000400.4 (MANE Select); coding-DNA position 296, G replaced by A.
Protein change: p.Gly99Asp; replaces glycine 99 with aspartic acid.
Molecular consequence: missense variant.
Genome position (GRCh38, 1-based): chr19:45,368,694, C>T on the plus strand (G>A on the coding strand, the complement: ERCC2 is on the minus strand). VCF-style: chr19-45368694-C-T. GRCh37 (hg19) VCF-style: chr19-45871952-C-T.
Other names: c.224G>A, p.Gly75Asp (NM_001130867.2); short protein forms G99D, G75D.
Identifiers: ClinVar variation 3276272 (VCV003276272.1).

ClinVar aggregate classification (germline): Uncertain significance (1 of 4 stars; one submission).

Conditions:
Inborn genetic diseases. Identifiers: MedGen C0950123, MeSH D030342.

gnomAD v4.1: 3 of 1,614,126 alleles (0.00019%); highest among the groups gnomAD compares: South Asian, 0.0022%; no homozygotes.

Submission:

Ambry Genetics
Classification: Uncertain significance for Inborn genetic diseases. Last evaluated: 2024-05-06. Review status: criteria provided, single submitter. Criteria: Ambry Variant Classification Scheme 2023. Collection method: clinical testing. Allele origin: germline.
Comment: The p.G99D variant (also known as c.296G>A), located in coding exon 5 of the ERCC2 gene, results from a G to A substitution at nucleotide position 296. The glycine at codon 99 is replaced by aspartic acid, an amino acid with similar properties. This amino acid position is conserved. In addition, the in silico prediction for this alteration is inconclusive. Based on the available evidence, the clinical significance of this variant remains unclear.